The following is an entry in ClinVar:

NM_052876.4(NACC1):c.565G>A (p.Gly189Ser)

Gene: NACC1 (nucleus accumbens associated 1; plus strand). Cytogenetic location: 19p13.13.
Variant type: single nucleotide variant.
Coding change: c.565G>A on transcript NM_052876.4 (MANE Select); coding-DNA position 565, G replaced by A.
Protein change: p.Gly189Ser; replaces glycine 189 with serine.
Molecular consequence: missense variant.
Genome position (GRCh38, 1-based): chr19:13,135,772, G>A. VCF-style: chr19-13135772-G-A. GRCh37 (hg19) VCF-style: chr19-13246586-G-A.
Other names: short protein forms G189S.
Identifiers: ClinVar variation 3668739 (VCV003668739.2).

ClinVar aggregate classification (germline): Uncertain significance (1 of 4 stars; one submission).

Submission:

Labcorp Genetics (formerly Invitae), Labcorp
Classification: Uncertain significance. Last evaluated: 2026-01-26. Review status: criteria provided, single submitter. Criteria: Invitae Variant Classification Sherloc (09022015). Collection method: clinical testing. Allele origin: germline.
Comment: This sequence change replaces glycine, which is neutral and non-polar, with serine, which is neutral and polar, at codon 189 of the NACC1 protein (p.Gly189Ser). This variant is present in population databases (no rsID available, gnomAD 0.01%). This variant has not been reported in the literature in individuals affected with NACC1-related conditions. ClinVar contains an entry for this variant (Variation ID: 3668739). Invitae Evidence Modeling of protein sequence and biophysical properties (such as structural, functional, and spatial information, amino acid conservation, physicochemical variation, residue mobility, and thermodynamic stability) indicates that this missense variant is not expected to disrupt NACC1 protein function with a negative predictive value of 80%. In summary, the available evidence is currently insufficient to determine the role of this variant in disease. Therefore, it has been classified as a Variant of Uncertain Significance.